The following is an entry in ClinVar:

ClinVar aggregate classification (germline): Uncertain significance. Review status: criteria provided, multiple submitters, no conflicts (2 of 4 stars). 2 submissions from 2 submitters: Uncertain significance (2). Last evaluated 2026-01-05.

Conditions:
Cataract 38. Also called: Cataract, autosomal recessive congenital 5; Cataract 38, autosomal recessive. Identifiers: Orphanet 91492, MedGen C3553494, MONDO:0013859, OMIM 614691.
Sengers syndrome. Also called: MITOCHONDRIAL DNA DEPLETION SYNDROME 10 (CARDIOMYOPATHIC TYPE); Cardiomyopathy and cataract. Identifiers: Orphanet 1369, MedGen C1859317, MONDO:0008922, OMIM 212350.
Inborn genetic diseases. Identifiers: MedGen C0950123, MeSH D030342.

Allele frequency attached by ClinVar (database versions not stated): TOPMed 0.00001.
gnomAD v4.1: 12 of 1,610,194 alleles (0.00075%); highest among the groups gnomAD compares: Non-Finnish European, 0.001%; no homozygotes.

Submissions (2):

Labcorp Genetics (formerly Invitae), Labcorp
Classification: Uncertain significance for Sengers syndrome; Cataract 38. Last evaluated: 2026-01-05. Review status: criteria provided, single submitter. Criteria: Invitae Variant Classification Sherloc (09022015). Collection method: clinical testing. Allele origin: germline.
Comment: This sequence change replaces isoleucine, which is neutral and non-polar, with valine, which is neutral and non-polar, at codon 348 of the AGK protein (p.Ile348Val). This variant is present in population databases (no rsID available, gnomAD 0.002%). This variant has not been reported in the literature in individuals affected with AGK-related conditions. ClinVar contains an entry for this variant (Variation ID: 2928264). Invitae Evidence Modeling of protein sequence and biophysical properties (such as structural, functional, and spatial information, amino acid conservation, physicochemical variation, residue mobility, and thermodynamic stability) indicates that this missense variant is not expected to disrupt AGK protein function with a negative predictive value of 80%. In summary, the available evidence is currently insufficient to determine the role of this variant in disease. Therefore, it has been classified as a Variant of Uncertain Significance.

Ambry Genetics
Classification: Uncertain significance for Inborn genetic diseases. Last evaluated: 2023-10-25. Review status: criteria provided, single submitter. Criteria: Ambry Variant Classification Scheme 2023. Collection method: clinical testing. Allele origin: germline.

NM_018238.4(AGK):c.1042A>G (p.Ile348Val)

Gene: AGK (acylglycerol kinase; plus strand). Cytogenetic location: 7q34.
Variant type: single nucleotide variant.
Coding change: c.1042A>G on transcript NM_018238.4 (MANE Select); coding-DNA position 1042, A replaced by G.
Protein change: p.Ile348Val; replaces isoleucine 348 with valine.
Molecular consequence: missense variant.
Genome position (GRCh38, 1-based): chr7:141,649,329, A>G. VCF-style: chr7-141649329-A-G. GRCh37 (hg19) VCF-style: chr7-141349129-A-G.
Other names: c.1042A>G, p.Ile348Val (NM_001364948.3); c.1042A>G (NM_018238.3); short protein forms I348V.
Identifiers: ClinVar variation 2928264 (VCV002928264.4), dbSNP rs1430812722, ClinGen allele CA369541316.